The following is an entry in ClinVar:

ClinVar aggregate classification (germline): Conflicting classifications of pathogenicity. Review status: criteria provided, conflicting classifications (1 of 4 stars). 2 submissions from 2 submitters: Likely pathogenic (1); Uncertain significance (1). Last evaluated 2026-06-22.

Submissions (2):

Women's Health and Genetics/Laboratory Corporation of America, LabCorp
Classification: Uncertain significance. Last evaluated: 2026-06-22. Review status: criteria provided, single submitter. Criteria: LabCorp Variant Classification Summary - May 2015. Collection method: clinical testing. Allele origin: germline.
Comment: Variant summary: THRB c.997G>A (p.Glu333Lys) results in a conservative amino acid change located in the Nuclear hormone receptor, ligand-binding domain (IPR000536) of the encoded protein sequence. Algorithms developed to predict the effect of missense changes on protein structure and function are either unavailable or do not agree on the potential impact of this missense change. The variant was absent in 251474 control chromosomes. The available data on variant occurrences in the general population are insufficient to allow any conclusion about variant significance. To our knowledge, no occurrence of c.997G>A in individuals affected with THRB-related conditions and no experimental evidence demonstrating its impact on protein function have been reported. ClinVar contains an entry for this variant (Variation ID: 1330143). Based on the evidence outlined above, the variant was classified as uncertain significance.

Quest Diagnostics Nichols Institute San Juan Capistrano
Classification: Likely pathogenic. Last evaluated: 2020-12-29. Review status: criteria provided, single submitter. Criteria: Quest Diagnostics criteria. Collection method: clinical testing. Allele origin: unknown.
Comment: The variant corresponds to an amino acid position associated with other known pathogenic missense variants, and is situated within a hot spot in relation to the T3-binding domain of the protein (PMID: 7913092 (1994), PMID: 17177139 (2006) and OMIM). As a result, we predict that the c.997G>A (p.Glu333Lys) variant is likely pathogenic.

Literature cited by the submitters: PubMed 17177139 (cited by Quest Diagnostics Nichols Institute San Juan Capistrano); PubMed 7913092 (cited by Quest Diagnostics Nichols Institute San Juan Capistrano); PubMed 12554782 (cited by Quest Diagnostics Nichols Institute San Juan Capistrano).

NM_001354712.2(THRB):c.997G>A (p.Glu333Lys)

Gene: THRB (thyroid hormone receptor beta; minus strand). Cytogenetic location: 3p24.2.
Variant type: single nucleotide variant.
Coding change: c.997G>A on transcript NM_001354712.2 (MANE Select); coding-DNA position 997, G replaced by A.
Protein change: p.Glu333Lys; replaces glutamic acid 333 with lysine.
Molecular consequence: missense variant. On other transcripts: intron variant (1).
Genome position (GRCh38, 1-based): chr3:24,127,646, C>T on the plus strand (G>A on the coding strand, the complement: THRB is on the minus strand). VCF-style: chr3-24127646-C-T. GRCh37 (hg19) VCF-style: chr3-24169137-C-T.
Other names: c.997G>A, p.Glu333Lys (NM_000461.5, NM_001128176.3, NM_001128177.2 and 11 more transcripts); c.904G>A, p.Glu302Lys (NM_001354714.2, NM_001354715.2); c.973+24G>A (NM_001374827.1); short protein forms E302K, E333K.
Identifiers: ClinVar variation 1330143 (VCV001330143.3), dbSNP rs2148833747, ClinGen allele CA351888790.